The following is an entry in ClinVar:

ClinVar aggregate classification (germline): Conflicting classifications of pathogenicity. Review status: criteria provided, conflicting classifications (1 of 4 stars). 3 submissions from 3 submitters: Uncertain significance (1); Likely benign (2). Last evaluated 2025-06-19.

Conditions:
IMPG2-related disorder. Also called: IMPG2-related condition.

Allele frequency attached by ClinVar (database versions not stated): gnomAD exomes 0.00001.
gnomAD v4.1: 11 of 1,613,374 alleles (0.00068%); highest among the groups gnomAD compares: Non-Finnish European, 0.00093%; no homozygotes.

Submissions (3):

PreventionGenetics, part of Exact Sciences
Classification: Likely benign for IMPG2-related condition. Last evaluated: 2025-06-19. Review status: criteria provided, single submitter. Criteria: ACMG Guidelines, 2015. Collection method: clinical testing. Allele origin: germline.
Comment: This variant is classified as likely benign based on ACMG/AMP sequence variant interpretation guidelines (Richards et al. 2015 PMID: 25741868, with internal and published modifications).

Labcorp Genetics (formerly Invitae), Labcorp
Classification: Likely benign. Last evaluated: 2024-02-24. Review status: criteria provided, single submitter. Criteria: Invitae Variant Classification Sherloc (09022015). Collection method: clinical testing. Allele origin: germline.

Blueprint Genetics
Classification: Uncertain significance. Last evaluated: 2022-03-23. Review status: criteria provided, single submitter. Criteria: ACMG Guidelines, 2015. Collection method: clinical testing. Allele origin: germline.

NM_016247.4(IMPG2):c.1131T>G (p.Pro377=)

Gene: IMPG2 (interphotoreceptor matrix proteoglycan 2; minus strand). Cytogenetic location: 3q12.3.
Variant type: single nucleotide variant.
Coding change: c.1131T>G on transcript NM_016247.4 (MANE Select); coding-DNA position 1131, T replaced by G.
Protein change: p.Pro377=; no amino-acid change (proline 377 retained).
Molecular consequence: synonymous variant.
Genome position (GRCh38, 1-based): chr3:101,257,551, A>C on the plus strand (T>G on the coding strand, the complement: IMPG2 is on the minus strand). VCF-style: chr3-101257551-A-C. GRCh37 (hg19) VCF-style: chr3-100976395-A-C.
Other names: c.1131T>G (NM_016247.3).
Identifiers: ClinVar variation 1094252 (VCV001094252.11), dbSNP rs890966341, ClinGen allele CA79736315.